The following continues an entry in ClinVar:

NM_000492.4(CFTR):c.1367T>C (p.Val456Ala)

ClinVar aggregate classification (germline): Pathogenic. Pathogenic (1).

Submissions 25 to 33 of 33:

Illumina Laboratory Services, Illumina
Classification: Pathogenic for CFTR-Related Disorders. Last evaluated: 2018-09-06. Review status: criteria provided, single submitter. Criteria: ICSL Variant Classification Criteria 09 May 2019. Collection method: clinical testing. Allele origin: germline. Not counted in ClinVar's aggregate classification.
Comment: The CFTR c.1367T>C (p.Val456Ala) missense variant has been reported in five studies in which it is found in a total of nine individuals with CFTR-related disorders, including in one in a homozygous state and in eight in a compound heterozygous state (McCormick et al. 2002; Strom et al. 2003; Danziger et al. 2004; Ziedalski et al. 2006; Uppaluri et al. 2012). Three of the compound heterozygotes carried the common p.Phe508del variant on the second allele and four carried the same stop-gained variant on the second allele. One of the compound heterozygotes who presented with only congenital bilateral absence of the vas deferens was compound heterozygous for the p.Val456Ala variant and a 5T allele (a variable repeat located in intron 8 of the CFTR gene considered to be a variably penetrant mutation and to decrease the efficiency of intron 8 splicing) (Danziger et al. 2004). Additionally, Strom et al. (2003) identified the p.Val456Ala variant in a homozygous state in an asymptomatic proband suggesting that this is a mild allele. Control data are unavailable for this variant, which is reported at a frequency of 0.00306 in the South Asian population of the 1000 Genomes Project. The reported cases suggest the variant is more likely to lead to a classic cystic fibrosis phenotype when inherited in compound heterozygous state with a severe allele. Based on the evidence from the literature, the p.Val456Ala variant is classified as pathogenic for CFTR-related disorders. This variant was observed by ICSL as part of a predisposition screen in an ostensibly healthy population.

CFTR-France
Classification: Pathogenic for cystic fibrosis; CFTR-related disorders. Last evaluated: 2018-03-09. Review status: criteria provided, single submitter. Criteria: Claustres M et al. (Hum Mutat 2017). Collection method: curation. Allele origin: germline. Affected: yes. Not counted in ClinVar's aggregate classification.
Comment: the variant causes a phenotype but regarding our data, we can't formally attribute it to CF, CFTR-RD or both

Eurofins Ntd Llc (ga)
Classification: Likely pathogenic. Last evaluated: 2018-01-31. Review status: criteria provided, single submitter. Criteria: EGL Classification Definitions 2015. Collection method: clinical testing. Allele origin: germline. Observed: 2 variant alleles, 2 heterozygotes. Not counted in ClinVar's aggregate classification.

Baylor Genetics
Classification: Likely pathogenic for Congenital bilateral aplasia of vas deferens from CFTR mutation; Cystic fibrosis. Review status: criteria provided, single submitter. Criteria: ACMG Guidelines, 2015. Collection method: clinical testing. Allele origin: germline. Not counted in ClinVar's aggregate classification.

Lifecell International Pvt. Ltd
Classification: Likely pathogenic for Cystic fibrosis. Review status: criteria provided, single submitter. Criteria: ACMG Guidelines, 2015. Collection method: clinical testing. Allele origin: germline. Inheritance: Autosomal recessive inheritance. Affected: yes. Observed: 1 compound heterozygote. Not counted in ClinVar's aggregate classification.
Comment: A Heterozygous Missense variant c.1367T>C in Exon 10 of the CFTR gene that results in the amino acid substitution p.Val456Ala was identified. The observed variant has a minor allele frequency of 0.00020/0.00003% in gnomAD exomes and genomes, respectively. The severity of the impact of this variant on the protein is medium, based on the effect of the protein and REVEL score . Rare Exome Variant Ensemble Learner (REVEL) is an ensembl method for predicting the pathogenicity of missense variants based on a combination of scores from 13 individual tools: MutPred, FATHMM v2.3, VEST 3.0, PolyPhen-2, SIFT, PROVEAN, MutationAssessor, MutationTaster, LRT, GERP++, SiPhy, phyloP, and phastCons. The REVEL score for an individual missense variant can range from 0 to 1, with higher scores reflecting greater likelihood that the variant is disease-causing. ClinVar has also classified this variant as Pathogenic (Variant ID: 35821). This variant has been identified in patients affected with Cystic Fibrosis (Indika NLR et al., 2019). Based on the above evidence this variant has been classified as Likely Pathogenic according to the ACMG guidelines.

Neuberg Centre For Genomic Medicine, NCGM
Classification: Pathogenic for Cystic fibrosis. Review status: criteria provided, single submitter. Criteria: ACMG Guidelines, 2015. Collection method: clinical testing. Allele origin: germline. Inheritance: Autosomal recessive inheritance. Affected: yes. Not counted in ClinVar's aggregate classification.
Comment: The missense variant p.V456A in CFTR (NM_000492.3) has previously been reported in homozygous and compound heterozygous state (Ziedalski et al. 2006;Uppaluri et al. 2012). Experimental studies reveal that the variant affects CFTR protein function (Raraigh et al 2018). The variant has been classified as Pathogenic in the ClinVar database. The p.V456A variant has a gnomAD exomes frequency of 0.02045 %. The variant is predicted to be damaging by both SIFT and PolyPhen2. The residue is conserved across species. The amino acid change p.Val456Ala in CFTR is predicted as conserved by GERP++ and PhyloP across 100 vertebrates. For these reasons, this variant has been classified as Pathogenic.

PreventionGenetics, part of Exact Sciences
Classification: Pathogenic for CFTR-related condition. Last evaluated: 2024-07-16. Review status: no assertion criteria provided. Collection method: clinical testing. Allele origin: germline. Not counted in ClinVar's aggregate classification.
Comment: The CFTR c.1367T>C variant is predicted to result in the amino acid substitution p.Val456Ala. This variant has been reported in the compound heterozygous and homozygous state in several patients with cystic fibrosis (McCormick et al. 2002. PubMed ID: 12357328; Uppaluri et al. 2012. PubMed ID: 22395041; Masica et al. 2015. PubMed ID: 25489051). In vitro functional studies showed that this variant resulted in significantly decreased function of CFTR (~4.1% of control) (Raraigh et al. 2018. PubMed ID: 29805046). This variant is reported in 0.16% of alleles in individuals of South Asian descent in gnomAD. This variant is interpreted as pathogenic.

Baylor Genetics
Classification: Pathogenic for Cystic fibrosis. Last evaluated: 2022-01-23. Review status: no assertion criteria provided. Collection method: clinical testing. Allele origin: unknown. Not counted in ClinVar's aggregate classification.

Counsyl
Classification: Likely pathogenic for Cystic fibrosis. Last evaluated: 2016-04-13. Review status: no assertion criteria provided. Collection method: clinical testing. Allele origin: unknown. Not counted in ClinVar's aggregate classification.

Literature cited by the submitters: PubMed 14998948 (cited by 5 submitters); PubMed 17035430 (cited by 6 submitters); PubMed 22395041 (cited by 10 submitters); PubMed 22423042 (cited by 5 submitters); PubMed 25489051 (cited by 4 submitters); PubMed 12544470 (cited by 5 submitters); PubMed 29805046 (cited by 7 submitters); PubMed 30046002 (cited by Labcorp Genetics (formerly Invitae), Labcorp and Quest Diagnostics Nichols Institute San Juan Capistrano); PubMed 35006361 (cited by Natera, Inc.); PubMed 30888834 (cited by Natera, Inc.); PubMed 31126253 (cited by 5 submitters); PubMed 32366966 (cited by Mayo Clinic Laboratories, Mayo Clinic); PubMed 33502066 (cited by Mayo Clinic Laboratories, Mayo Clinic); PubMed 34583889 (cited by Mayo Clinic Laboratories, Mayo Clinic); PubMed 34842611 (cited by Mayo Clinic Laboratories, Mayo Clinic); PubMed 35857025 (cited by Mayo Clinic Laboratories, Mayo Clinic); PubMed 35934641 (cited by Mayo Clinic Laboratories, Mayo Clinic); PubMed 37310422 (cited by Mayo Clinic Laboratories, Mayo Clinic); PubMed 37313453 (cited by Mayo Clinic Laboratories, Mayo Clinic); PubMed 26708955 (cited by Quest Diagnostics Nichols Institute San Juan Capistrano and Women's Health and Genetics/Laboratory Corporation of America, LabCorp); PubMed 25651269 (cited by Quest Diagnostics Nichols Institute San Juan Capistrano); PubMed 26574590 (cited by Quest Diagnostics Nichols Institute San Juan Capistrano and Women's Health and Genetics/Laboratory Corporation of America, LabCorp); PubMed 25735457 (cited by Quest Diagnostics Nichols Institute San Juan Capistrano and Women's Health and Genetics/Laboratory Corporation of America, LabCorp); PubMed 28736296 (cited by Quest Diagnostics Nichols Institute San Juan Capistrano); PubMed 29216686 (cited by Quest Diagnostics Nichols Institute San Juan Capistrano); PubMed 30348612 (cited by Quest Diagnostics Nichols Institute San Juan Capistrano and 3billion); PubMed 31005549 (cited by Quest Diagnostics Nichols Institute San Juan Capistrano and 3billion); PubMed 32906206 (cited by Quest Diagnostics Nichols Institute San Juan Capistrano); PubMed 12357328 (cited by 6 submitters); PubMed 31036917 (cited by Quest Diagnostics Nichols Institute San Juan Capistrano); PubMed 7505767 (cited by 3billion); PubMed 16488363 (cited by Women's Health and Genetics/Laboratory Corporation of America, LabCorp).